The following is an entry in ClinVar:

ClinVar aggregate classification (germline): Uncertain significance (1 of 4 stars; one submission).

Conditions:
Hearing loss, autosomal recessive 100. Also called: Deafness, autosomal recessive 100. Identifiers: MedGen C5193087, MONDO:0032740, OMIM 618422.

Allele frequency attached by ClinVar (database versions not stated): TOPMed 0.00001; gnomAD 0.00002; gnomAD exomes 0.00002 and 0.00004; ExAC 0.00004.
gnomAD v4.1: 36 of 1,602,542 alleles (0.0022%); highest among the groups gnomAD compares: East Asian, 0.0067%; no homozygotes.

Submission:

Victorian Clinical Genetics Services, Murdoch Childrens Research Institute
Classification: Uncertain significance for Hearing loss, autosomal recessive 100. Last evaluated: 2020-10-19. Review status: criteria provided, single submitter. Criteria: ACMG Guidelines, 2015. Collection method: clinical testing. Allele origin: germline. Inheritance: Autosomal recessive inheritance.
Comment: Based on the classification scheme VCGS_Germline_v1.1.1, this variant is classified as 3B-VUS. Following criteria are met: 0102 - Loss-of-function is a known mechanism of disease for this gene. (N) 0106 - This gene is known to be associated with autosomal recessive disease. (N) 0201 - Variant is predicted to cause nonsense-mediated decay (NMD) and loss of protein (exon 7 of 33). (P) 0251 - Variant is heterozygous. (N) 0304 - Variant is present in gnomAD <0.01 for a recessive condition (9 heterozygotes, 0 homozygotes). (P) 0402 - Variant is located in a gene associated with a severe early onset recessive condition that is intolerant to bi-allelic loss-of-function variants (pRec=0.98). (P) 0705 - No comparable variants have previous evidence for pathogenicity. (N) 0807 - Variant has not previously been reported in a clinical context. (N) 0905 - No segregation evidence has been identified for this variant. (N) 1007 - No published functional evidence has been identified for this variant. (N) 1208 - Inheritance information for this variant is not currently available. (N) Legend: (P) - Pathogenic, (N) - Neutral, (B) - Benign

NM_001276277.3(PPIP5K2):c.685C>T (p.Arg229Ter)

Gene: PPIP5K2 (diphosphoinositol pentakisphosphate kinase 2; plus strand). Cytogenetic location: 5q21.1.
Variant type: single nucleotide variant.
Coding change: c.685C>T on transcript NM_001276277.3 (MANE Select); coding-DNA position 685, C replaced by T.
Protein change: p.Arg229Ter; replaces arginine 229 with a stop codon.
Molecular consequence: nonsense.
Genome position (GRCh38, 1-based): chr5:103,147,973, C>T. VCF-style: chr5-103147973-C-T. GRCh37 (hg19) VCF-style: chr5-102483677-C-T.
Other names: c.685C>T, p.Arg229Ter (NM_001281471.3, NM_001345871.2, NM_001345872.2 and 7 more transcripts); short protein forms R229*.
Identifiers: ClinVar variation 1699093 (VCV001699093.3), dbSNP rs782783744, ClinGen allele CA3359949.